The following is an entry in ClinVar:

NM_006922.4(SCN3A):c.1136T>C (p.Leu379Pro)

Gene: SCN3A (sodium voltage-gated channel alpha subunit 3; minus strand). Cytogenetic location: 2q24.3.
Variant type: single nucleotide variant.
Coding change: c.1136T>C on transcript NM_006922.4 (MANE Select); coding-DNA position 1136, T replaced by C.
Protein change: p.Leu379Pro; replaces leucine 379 with proline.
Molecular consequence: missense variant.
Genome position (GRCh38, 1-based): chr2:165,155,799, A>G on the plus strand (T>C on the coding strand, the complement: SCN3A is on the minus strand). VCF-style: chr2-165155799-A-G. GRCh37 (hg19) VCF-style: chr2-166012309-A-G.
Other names: c.1136T>C, p.Leu379Pro (NM_001081676.2, NM_001081677.2); short protein forms L379P.
Identifiers: ClinVar variation 1806714 (VCV001806714.2), dbSNP rs2468426433, ClinGen allele CA349238441.
Genomic context (GRCh38, chr2:165,155,799, plus strand): 5'-ATGCATGCTCATTTGGACCTTACCAACTGGTAAAGATTTTCCCAGTAGTCTTGAGTCATG[A>G]GTCGAAATAGAGACAGGAAAGCCCAGCTAAAGGTGTCAAAGCTTGTGTAGCCATAGTTGG-3'
Protein context (NP_008853.3, residues 369-389): FSWAFLSLFR[Leu379Pro]MTQDYWENLY

ClinVar aggregate classification (germline): Uncertain significance (1 of 4 stars; one submission).

Submission:

GeneDx
Classification: Uncertain significance. Last evaluated: 2026-09-06. Review status: criteria provided, single submitter. Criteria: GeneDx Variant Classification Process June 2021. Collection method: clinical testing. Allele origin: germline.
Comment: Not observed at significant frequency in large population cohorts (gnomAD); In silico analysis supports that this missense variant has a deleterious effect on protein structure/function; Has not been previously published as pathogenic or benign to our knowledge